The following is an entry in ClinVar:

NM_015378.4(VPS13D):c.12538G>A (p.Gly4180Ser)

Gene: VPS13D (vacuolar protein sorting 13 homolog D; plus strand). Cytogenetic location: 1p36.22.
Variant type: single nucleotide variant.
Coding change: c.12538G>A on transcript NM_015378.4 (MANE Select); coding-DNA position 12538, G replaced by A.
Protein change: p.Gly4180Ser; replaces glycine 4180 with serine.
Molecular consequence: missense variant.
Genome position (GRCh38, 1-based): chr1:12,460,272, G>A. VCF-style: chr1-12460272-G-A. GRCh37 (hg19) VCF-style: chr1-12520327-G-A.
Other names: c.12463G>A, p.Gly4155Ser (NM_018156.4); short protein forms G4180S, G4155S.
Identifiers: ClinVar variation 4775185 (VCV004775185.1).

ClinVar aggregate classification (germline): Uncertain significance (1 of 4 stars; one submission).

gnomAD v4.1: 10 of 1,612,008 alleles (0.00062%); highest among the groups gnomAD compares: South Asian, 0.0011%; no homozygotes.

Submission:

Labcorp Genetics (formerly Invitae), Labcorp
Classification: Uncertain significance. Last evaluated: 2025-05-20. Review status: criteria provided, single submitter. Criteria: Invitae Variant Classification Sherloc (09022015). Collection method: clinical testing. Allele origin: germline.
Comment: This sequence change replaces glycine, which is neutral and non-polar, with serine, which is neutral and polar, at codon 4180 of the VPS13D protein (p.Gly4180Ser). This variant is present in population databases (rs552663711, gnomAD 0.003%). This variant has not been reported in the literature in individuals affected with VPS13D-related conditions. Invitae Evidence Modeling of protein sequence and biophysical properties (such as structural, functional, and spatial information, amino acid conservation, physicochemical variation, residue mobility, and thermodynamic stability) indicates that this missense variant is expected to disrupt VPS13D protein function with a positive predictive value of 80%. In summary, the available evidence is currently insufficient to determine the role of this variant in disease. Therefore, it has been classified as a Variant of Uncertain Significance.